The following is an entry in ClinVar:

NC_000016.9:g.(?_3799608)_(3821007_?)dup

Gene: CREBBP (CREB binding lysine acetyltransferase; minus strand). Cytogenetic location: 16p13.3.
Variant type: Duplication.
Identifiers: ClinVar variation 583641 (VCV000583641.8).

ClinVar aggregate classification (germline): Pathogenic. Review status: criteria provided, single submitter (1 of 4 stars). 2 submissions from 1 submitter: Pathogenic (2). Last evaluated 2018-04-05.

Conditions:
Rubinstein-Taybi syndrome due to CREBBP mutations (RSTS1). Also called: RUBINSTEIN SYNDROME; RUBINSTEIN-TAYBI SYNDROME 1, INCOMPLETE; Rubinstein-Taybi syndrome 1; CREBBP-Related Rubinstein-Taybi Syndrome; BROAD THUMB-HALLUX SYNDROME; BROAD THUMBS AND GREAT TOES, CHARACTERISTIC FACIES, AND IMPAIRED INTELLECTUAL DEVELOPMENT. Identifiers: Orphanet 353277, Orphanet 783, MedGen C4551859, MONDO:0008393, OMIM 180849.
Rubinstein-Taybi syndrome (RSTS). Identifiers: Orphanet 783, MedGen C0035934, MONDO:0019188.

Submissions (2):

Labcorp Genetics (formerly Invitae), Labcorp
Classification: Pathogenic for Rubinstein-Taybi syndrome. Last evaluated: 2018-04-05. Review status: criteria provided, single submitter. Criteria: Invitae Variant Classification Sherloc (09022015). Collection method: clinical testing. Allele origin: germline.
Comment: This variant results in a copy number gain of the genomic region encompassing exons 14-21 of the CREBBP gene. While the exact position of this variant cannot be determined from this data, sub-genic copy number gains are generally in tandem (PMID: 25640679) and may result in an absent or disrupted protein product. Loss-of-function variants in CREBBP are known to be pathogenic (PMID: 17052327, 18792986). For these reasons, this variant has been classified as Pathogenic.

Labcorp Genetics (formerly Invitae), Labcorp
Classification: Pathogenic for Rubinstein-Taybi syndrome. Last evaluated: 2018-04-03. Review status: criteria provided, single submitter. Criteria: Invitae Variant Classification Sherloc (09022015). Collection method: clinical testing. Allele origin: germline.
Comment: This variant results in a copy number gain of the genomic region encompassing exons 14-21 of the CREBBP gene. While the exact position of this variant cannot be determined from this data, sub-genic copy number gains are generally in tandem (PMID: 25640679) and may result in an absent or disrupted protein product. Loss-of-function variants in CREBBP are known to be pathogenic (PMID: 17052327, 18792986). For these reasons, this variant has been classified as Pathogenic.

Literature cited by the submitters: PubMed 25640679; PubMed 17052327; PubMed 18792986.